The following is an entry in ClinVar:

NM_024675.4(PALB2):c.2632G>T (p.Glu878Ter)

Gene: PALB2 (partner and localizer of BRCA2; minus strand). Cytogenetic location: 16p12.2.
Variant type: single nucleotide variant.
Coding change: c.2632G>T on transcript NM_024675.4 (MANE Select); coding-DNA position 2632, G replaced by T.
Protein change: p.Glu878Ter; replaces glutamic acid 878 with a stop codon.
Molecular consequence: nonsense.
Genome position (GRCh38, 1-based): chr16:23,626,352, C>A on the plus strand (G>T on the coding strand, the complement: PALB2 is on the minus strand). VCF-style: chr16-23626352-C-A. GRCh37 (hg19) VCF-style: chr16-23637673-C-A.
Other names: short protein forms E878*.
Identifiers: ClinVar variation 484176 (VCV000484176.14), dbSNP rs1555459999, ClinGen allele CA395122165.

ClinVar aggregate classification (germline): Pathogenic. Review status: criteria provided, multiple submitters, no conflicts (2 of 4 stars). 4 submissions from 4 submitters: Pathogenic (3). 1 of the submissions does not count toward it. Last evaluated 2025-04-02.

Conditions:
Familial cancer of breast. Also called: BREAST CANCER, FAMILIAL; Hereditary breast cancer; hereditary breast carcinoma. Identifiers: Orphanet 227535, MedGen C0346153, MONDO:0016419, OMIM 114480. Disease mechanism: loss of function.
Hereditary cancer-predisposing syndrome. Also called: Neoplastic Syndromes, Hereditary; Tumor predisposition; Hereditary Cancer Syndrome; Hereditary neoplastic syndrome. Identifiers: Orphanet 140162, MedGen C0027672, MeSH D009386, MONDO:0015356.

Allele frequency attached by ClinVar (database versions not stated): gnomAD exomes below 0.00001.
gnomAD v4.1: 1 of 1,614,202 alleles (0.000062%); highest among the groups gnomAD compares: Non-Finnish European, 0.000085%; no homozygotes.

Submissions (4):

Labcorp Genetics (formerly Invitae), Labcorp
Classification: Pathogenic for Familial cancer of breast. Last evaluated: 2025-04-02. Review status: criteria provided, single submitter. Criteria: Invitae Variant Classification Sherloc (09022015). Collection method: clinical testing. Allele origin: germline.
Comment: This sequence change creates a premature translational stop signal (p.Glu878*) in the PALB2 gene. It is expected to result in an absent or disrupted protein product. Loss-of-function variants in PALB2 are known to be pathogenic (PMID: 17200668, 17200671, 17200672, 24136930, 25099575). This variant is not present in population databases (gnomAD no frequency). This variant has not been reported in the literature in individuals affected with PALB2-related conditions. ClinVar contains an entry for this variant (Variation ID: 484176). RNA analysis performed to evaluate the impact of this premature translational stop signal on mRNA splicing indicates it does not significantly alter splicing (internal data). For these reasons, this variant has been classified as Pathogenic.

Myriad Genetics, Inc.
Classification: Pathogenic for Familial cancer of breast. Last evaluated: 2023-09-13. Review status: criteria provided, single submitter. Criteria: Myriad Autosomal Dominant, Autosomal Recessive and X-Linked Classification Criteria (2023). Collection method: clinical testing. Allele origin: unknown.
Comment: This variant is considered pathogenic. This variant creates a termination codon and is predicted to result in premature protein truncation.

Ambry Genetics
Classification: Pathogenic for Hereditary cancer-predisposing syndrome. Last evaluated: 2023-06-13. Review status: criteria provided, single submitter. Criteria: Ambry Variant Classification Scheme 2023. Collection method: clinical testing. Allele origin: germline.
Comment: The p.E878* pathogenic mutation (also known as c.2632G>T), located in coding exon 7 of the PALB2 gene, results from a G to T substitution at nucleotide position 2632. This changes the amino acid from a glutamic acid to a stop codon within coding exon 7. This mutation has been detected in an individual with ovarian cancer (Koczkowska et al. Cancers (Basel) 2018 Nov;10(11). In addition to the clinical data presented in the literature, this alteration is expected to result in loss of function by premature protein truncation or nonsense-mediated mRNA decay. As such, this alteration is interpreted as a disease-causing mutation.

Leiden Open Variation Database
Classification: Pathogenic. Last evaluated: 2019-05-13. Review status: no assertion criteria provided. Collection method: curation. Allele origin: germline. Affected: yes. Not counted in ClinVar's aggregate classification.
Comment: Curators: Marc Tischkowitz, Arleen D. Auerbach. Submitter to LOVD: Gemeinschaftspraxis f??r Humangenetik Dresden.

Literature cited by the submitters: PubMed 17200668 (cited by Labcorp Genetics (formerly Invitae), Labcorp); PubMed 17200671 (cited by Labcorp Genetics (formerly Invitae), Labcorp); PubMed 17200672 (cited by Labcorp Genetics (formerly Invitae), Labcorp); PubMed 24136930 (cited by Labcorp Genetics (formerly Invitae), Labcorp); PubMed 25099575 (cited by Labcorp Genetics (formerly Invitae), Labcorp).